The following is an entry in ClinVar:

NM_182961.4(SYNE1):c.15065G>T (p.Gly5022Val)

Gene: SYNE1 (spectrin repeat containing nuclear envelope protein 1; minus strand). Cytogenetic location: 6q25.2.
Variant type: single nucleotide variant.
Coding change: c.15065G>T on transcript NM_182961.4 (MANE Select); coding-DNA position 15065, G replaced by T.
Protein change: p.Gly5022Val; replaces glycine 5022 with valine.
Molecular consequence: missense variant.
Genome position (GRCh38, 1-based): chr6:152,326,524, C>A on the plus strand (G>T on the coding strand, the complement: SYNE1 is on the minus strand). VCF-style: chr6-152326524-C-A. GRCh37 (hg19) VCF-style: chr6-152647659-C-A.
Other names: c.14852G>T, p.Gly4951Val (NM_033071.5); short protein forms G4951V, G5022V.
Identifiers: ClinVar variation 2173869 (VCV002173869.3), dbSNP rs2484762087, ClinGen allele CA366093801.

ClinVar aggregate classification (germline): Uncertain significance (1 of 4 stars; one submission).

Conditions:
Emery-Dreifuss muscular dystrophy 4, autosomal dominant (EDMD4). Also called: EMERY-DREIFUSS MUSCULAR DYSTROPHY 4 WITH VARIABLE FEATURES. Identifiers: Orphanet 261, MedGen C2751807, MONDO:0013071, OMIM 612998.
Autosomal recessive ataxia, Beauce type. Also called: Spinocerebellar ataxia, autosomal recessive 8; ATAXIA, RECESSIVE, OF BEAUCE; SYNE1-Related Autosomal Recessive Cerebellar Ataxia; SYNE1 Deficiency. Identifiers: Orphanet 88644, MedGen C1853116, MONDO:0012549, OMIM 610743.

Allele frequency attached by ClinVar (database versions not stated): gnomAD exomes below 0.00001.
gnomAD v4.1: 3 of 1,614,202 alleles (0.00019%); highest among the groups gnomAD compares: Non-Finnish European, 0.00025%; no homozygotes.

Submission:

Labcorp Genetics (formerly Invitae), Labcorp
Classification: Uncertain significance for Emery-Dreifuss muscular dystrophy 4, autosomal dominant; Autosomal recessive ataxia, Beauce type. Last evaluated: 2022-07-13. Review status: criteria provided, single submitter. Criteria: Invitae Variant Classification Sherloc (09022015). Collection method: clinical testing. Allele origin: germline.
Comment: This sequence change replaces glycine, which is neutral and non-polar, with valine, which is neutral and non-polar, at codon 4951 of the SYNE1 protein (p.Gly4951Val). This variant is not present in population databases (gnomAD no frequency). This variant has not been reported in the literature in individuals affected with SYNE1-related conditions. Algorithms developed to predict the effect of missense changes on protein structure and function (SIFT, PolyPhen-2, Align-GVGD) all suggest that this variant is likely to be disruptive. In summary, the available evidence is currently insufficient to determine the role of this variant in disease. Therefore, it has been classified as a Variant of Uncertain Significance.